The following is an entry in ClinVar:

ClinVar aggregate classification (germline): Pathogenic. Review status: criteria provided, multiple submitters, no conflicts (2 of 4 stars). 2 submissions from 2 submitters: Pathogenic (2). Last evaluated 2022-11-06.

Conditions:
DICER1-related tumor predisposition. Also called: DICER1-related pleuropulmonary blastoma cancer predisposition syndrome; DICER1 syndrome. Identifiers: Orphanet 284343, MedGen C3839822, MONDO:0100216.
Hereditary cancer-predisposing syndrome. Also called: Neoplastic Syndromes, Hereditary; Tumor predisposition; Hereditary neoplastic syndrome; Hereditary Cancer Syndrome. Identifiers: Orphanet 140162, MedGen C0027672, MeSH D009386, MONDO:0015356.

Submissions (2):

Labcorp Genetics (formerly Invitae), Labcorp
Classification: Pathogenic for DICER1-related tumor predisposition. Last evaluated: 2022-11-06. Review status: criteria provided, single submitter. Criteria: Invitae Variant Classification Sherloc (09022015). Collection method: clinical testing. Allele origin: germline.
Comment: For these reasons, this variant has been classified as Pathogenic. This variant has not been reported in the literature in individuals affected with DICER1-related conditions. This variant is not present in population databases (gnomAD no frequency). This sequence change creates a premature translational stop signal (p.Phe920Cysfs*3) in the DICER1 gene. It is expected to result in an absent or disrupted protein product. Loss-of-function variants in DICER1 are known to be pathogenic (PMID: 19556464, 21266384).

Ambry Genetics
Classification: Pathogenic for Hereditary cancer-predisposing syndrome. Last evaluated: 2022-01-15. Review status: criteria provided, single submitter. Criteria: Ambry Variant Classification Scheme 2023. Collection method: clinical testing. Allele origin: germline.
Comment: The c.2759_2760delTT pathogenic mutation, located in coding exon 16 of the DICER1 gene, results from a deletion of two nucleotides at nucleotide positions 2759 to 2760, causing a translational frameshift with a predicted alternate stop codon (p.F920Cfs*3). This variant is considered to be rare based on population cohorts in the Genome Aggregation Database (gnomAD). This alteration is expected to result in loss of function by premature protein truncation or nonsense-mediated mRNA decay. As such, this alteration is interpreted as a disease-causing mutation.

Literature cited by the submitters: PubMed 19556464 (cited by Labcorp Genetics (formerly Invitae), Labcorp); PubMed 21266384 (cited by Labcorp Genetics (formerly Invitae), Labcorp).

NM_177438.3(DICER1):c.2759_2760del (p.Phe920fs)

Gene: DICER1 (dicer 1, ribonuclease III; minus strand). Cytogenetic location: 14q32.13.
Variant type: Deletion.
Coding change: c.2759_2760del on transcript NM_177438.3 (MANE Select); coding-DNA positions 2759 to 2760, 2 bases deleted (TT; older notation c.2759_2760delTT).
Protein change: p.Phe920fs; shifts the reading frame from phenylalanine 920.
Molecular consequence: frameshift variant. On other transcripts: non-coding transcript variant (6).
Genome position (GRCh38, 1-based): chr14:95,107,652-95,107,653, AA deleted on the plus strand (TT on the coding strand, the reverse complement: DICER1 is on the minus strand); deleting any 2 consecutive bases within chr14:95,107,652-95,107,654 gives the same sequence; the c. name uses the placement nearest the transcript's 3' end. VCF-style (leftmost placement, unchanged base first): chr14-95107651-CAA-C. GRCh37 (hg19) VCF-style: chr14-95573988-CAA-C.
Other names: c.2759_2760delTT (NM_177438.2); c.1076_1077del, p.Phe359fs (NM_001395697.1); c.2759_2760del, p.Phe920fs (NM_030621.4, NM_001195573.1, NM_001271282.3 and 12 more transcripts); c.2758_2759delTT, p.Phe920Cysfs (NM_001395681.1); c.2477_2478del, p.Phe826fs (NM_001395686.1); c.2354_2355del, p.Phe785fs (NM_001395687.1, NM_001395688.1, NM_001395689.1 and 2 more transcripts); c.2192_2193del, p.Phe731fs (NM_001395691.1); short protein forms F785fs, F920fs, F359fs, F731fs, F826fs.
Identifiers: ClinVar variation 1795636 (VCV001795636.5), dbSNP rs2542829152, ClinGen allele CA2580089058.